The following is an entry in ClinVar:

ClinVar aggregate classification (germline): Uncertain significance (1 of 4 stars; one submission).

Submission:

Labcorp Genetics (formerly Invitae), Labcorp
Classification: Uncertain significance. Last evaluated: 2022-02-10. Review status: criteria provided, single submitter. Criteria: Invitae Variant Classification Sherloc (09022015). Collection method: clinical testing. Allele origin: germline.
Comment: This variant is not present in population databases (gnomAD no frequency). This sequence change replaces tyrosine, which is neutral and polar, with phenylalanine, which is neutral and non-polar, at codon 177 of the FDX2 protein (p.Tyr177Phe). In summary, the available evidence is currently insufficient to determine the role of this variant in disease. Therefore, it has been classified as a Variant of Uncertain Significance. Algorithms developed to predict the effect of missense changes on protein structure and function are either unavailable or do not agree on the potential impact of this missense change (SIFT: "Tolerated"; PolyPhen-2: "Not Available"; Align-GVGD: "Class C0"). This variant has not been reported in the literature in individuals affected with FDX2-related conditions.

NM_001397406.1(FDX2):c.521A>T (p.Tyr174Phe)

Genes: FDX2 (ferredoxin 2; minus strand), FDX2-ZGLP1 (FDX2-ZGLP1 readthrough (NMD candidate); minus strand). Cytogenetic location: 19p13.2.
Variant type: single nucleotide variant.
Coding change: c.521A>T on transcript NM_001397406.1 (MANE Select); coding-DNA position 521, A replaced by T.
Protein change: p.Tyr174Phe; replaces tyrosine 174 with phenylalanine.
Molecular consequence: missense variant.
Genome position (GRCh38, 1-based): chr19:10,310,517, T>A on the plus strand (A>T on the coding strand, the complement: FDX2 is on the minus strand). VCF-style: chr19-10310517-T-A. GRCh37 (hg19) VCF-style: chr19-10421193-T-A.
Other names: c.530A>T, p.Tyr177Phe (NM_001031734.4); short protein forms Y174F, Y177F.
Identifiers: ClinVar variation 2096169 (VCV002096169.4), dbSNP rs2512369877, ClinGen allele CA403978288.